The following is an entry in ClinVar:

NM_004208.4(AIFM1):c.458G>A (p.Arg153Gln)

Genes: AIFM1 (apoptosis inducing factor mitochondria associated 1; minus strand), RAB33A (RAB33A, member RAS oncogene family; plus strand). Cytogenetic location: Xq26.1.
Variant type: single nucleotide variant.
Coding change: c.458G>A on transcript NM_004208.4 (MANE Select); coding-DNA position 458, G replaced by A.
Protein change: p.Arg153Gln; replaces arginine 153 with glutamine.
Molecular consequence: missense variant. On other transcripts: non-coding transcript variant (1).
Genome position (GRCh38, 1-based): chrX:130,147,768, C>T on the plus strand (G>A on the coding strand, the complement: AIFM1 is on the minus strand). VCF-style: chrX-130147768-C-T. GRCh37 (hg19) VCF-style: chrX-129281743-C-T.
Other names: c.458G>A, p.Arg153Gln (NM_001130847.4); c.446G>A, p.Arg149Gln (NM_145812.3); short protein forms R149Q, R153Q.
Identifiers: ClinVar variation 2661431 (VCV002661431.26), dbSNP rs757714042, ClinGen allele CA10515455.

ClinVar aggregate classification (germline): Uncertain significance. Review status: criteria provided, multiple submitters, no conflicts (2 of 4 stars). 2 submissions from 2 submitters: Uncertain significance (2). Last evaluated 2024-11-21.

Conditions:
Severe X-linked mitochondrial encephalomyopathy. Also called: ENCEPHALOMYOPATHY, MITOCHONDRIAL, X-LINKED. Identifiers: Orphanet 238329, MedGen C3151753, MONDO:0010437, OMIM 300816.

Allele frequency attached by ClinVar (database versions not stated): gnomAD exomes below 0.00001; ExAC 0.00001; gnomAD 0.00001; TOPMed 0.00001; 1000 Genomes Project 30x 0.00021; 1000 Genomes Project 0.00026.
gnomAD v4.1: 7 of 1,210,555 alleles (0.00058%); highest among the groups gnomAD compares: East Asian, 0.003%; no homozygotes.

Submissions (2):

Victorian Clinical Genetics Services, Murdoch Childrens Research Institute
Classification: Uncertain significance for Severe X-linked mitochondrial encephalomyopathy. Last evaluated: 2024-11-21. Review status: criteria provided, single submitter. Criteria: ACMG Guidelines, 2015. Collection method: clinical testing. Allele origin: germline. Affected: yes.
Comment: This variant is classified as VUS-3B. Evidence in support of pathogenic classification: Variant is present in gnomAD <0.01 for a recessive condition (v4: 7 heterozygote(s), 0 homozygote(s), 0 hemizygote(s)). Additional information: Variant is predicted to result in a missense amino acid change from arginine to glutamine; This variant is hemizygous; This gene is associated with X-linked recessive disease; An alternative amino acid change at the same position has been observed in gnomAD (v4: 2 heterozygote(s), 0 homozygote(s), 0 hemizygote(s)); Previous evidence of pathogenicity for this variant is inconclusive. This variant has been identified in the literature in an individual with autism spectrum disorder (ASD) (PMID: 26402605). This variant has been classified as a VUS by a diagnostic laboratory in ClinVar; No published functional evidence has been identified for this variant; No comparable missense variants have previous evidence for pathogenicity; Variant is not located in an established domain, motif, hotspot or informative constraint region; Missense variant with conflicting in silico predictions and uninformative conservation; Loss of function is a known mechanism of disease in this gene and is associated with combined oxidative phosphorylation deficiency 6 (MIM#300816), Cowchock syndrome (MIM#310490), X-linked deafness 5 (MIM#300614), and X-linked spondyloepimetaphyseal dysplasia with hypomyelinating leukodystrophy (MIM#300232).

CeGaT Center for Human Genetics Tuebingen
Classification: Uncertain significance. Last evaluated: 2023-08-01. Review status: criteria provided, single submitter. Criteria: CeGaT Center For Human Genetics Tuebingen Variant Classification Criteria Version 2. Collection method: clinical testing. Allele origin: germline. Affected: yes. Observed: 1 variant allele.
Comment: AIFM1: PM2, PP3

Literature cited by the submitters: PubMed 26402605 (cited by Victorian Clinical Genetics Services, Murdoch Childrens Research Institute).